The following is an entry in ClinVar:

ClinVar aggregate classification (germline): Uncertain significance. Review status: criteria provided, multiple submitters, no conflicts (2 of 4 stars). 3 submissions from 3 submitters: Uncertain significance (3). Last evaluated 2023-11-01.

Conditions:
Developmental and epileptic encephalopathy, 28 (DEE28). Also called: Epileptic encephalopathy, early infantile, 28. Identifiers: Orphanet 442835, MedGen C4015519, MONDO:0014533, OMIM 616211.

Allele frequency attached by ClinVar (database versions not stated): TOPMed 0.00005.
gnomAD v4.1: 42 of 1,613,778 alleles (0.0026%); highest among the groups gnomAD compares: Admixed American, 0.005%; no homozygotes.

Submissions (3):

CeGaT Center for Human Genetics Tuebingen
Classification: Uncertain significance. Last evaluated: 2023-11-01. Review status: criteria provided, single submitter. Criteria: CeGaT Center For Human Genetics Tuebingen Variant Classification Criteria Version 2. Collection method: clinical testing. Allele origin: germline. Affected: yes. Observed: 1 variant allele.
Comment: WWOX: PM2

Mendelics
Classification: Uncertain significance. Last evaluated: 2022-05-04. Review status: criteria provided, single submitter. Criteria: Mendelics Assertion Criteria 2019. Collection method: clinical testing. Allele origin: germline.

Baylor Genetics
Classification: Uncertain significance for Developmental and epileptic encephalopathy, 28. Last evaluated: 2018-08-27. Review status: criteria provided, single submitter. Criteria: ACMG Guidelines, 2015. Collection method: clinical testing. Allele origin: paternal. Affected: yes.
Comment: This variant was determined to be of uncertain significance according to ACMG Guidelines, 2015 [PMID:25741868].

NM_016373.4(WWOX):c.*15G>T

Genes: MAF (MAF bZIP transcription factor; minus strand), WWOX (WW domain containing oxidoreductase; plus strand). Cytogenetic location: 16q23.2.
Variant type: single nucleotide variant.
Coding change: c.*15G>T on transcript NM_016373.4 (MANE Select); 15 bases downstream of the stop codon, G replaced by T.
Molecular consequence: 3 prime UTR variant.
Genome position (GRCh38, 1-based): chr16:79,211,811, G>T. VCF-style: chr16-79211811-G-T. GRCh37 (hg19) VCF-style: chr16-79245708-G-T.
Other names: c.*15G>T (NM_001291997.2).
Identifiers: ClinVar variation 1033411 (VCV001033411.25), dbSNP rs533890923, ClinGen allele CA8183819.